The following is an entry in ClinVar:

NM_015662.3(IFT172):c.4197C>A (p.Phe1399Leu)

Gene: IFT172 (intraflagellar transport 172; minus strand). Cytogenetic location: 2p23.3.
Variant type: single nucleotide variant.
Coding change: c.4197C>A on transcript NM_015662.3 (MANE Select); coding-DNA position 4197, C replaced by A.
Protein change: p.Phe1399Leu; replaces phenylalanine 1399 with leucine.
Molecular consequence: missense variant.
Genome position (GRCh38, 1-based): chr2:27,449,526, G>T on the plus strand (C>A on the coding strand, the complement: IFT172 is on the minus strand). VCF-style: chr2-27449526-G-T. GRCh37 (hg19) VCF-style: chr2-27672393-G-T.
Other names: c.4131C>A, p.Phe1377Leu (NM_001410739.1); short protein forms F1399L, F1377L.
Identifiers: ClinVar variation 2110972 (VCV002110972.4), dbSNP rs2465814642, ClinGen allele CA346421637.
Genomic context (GRCh38, chr2:27,449,526, plus strand): 5'-CATTCTGCCTCCTGCTAACTCTCCAAGTCTCACCGAGTCCACTTTGCCCTGATTCTTGAG[G>T]AACTCTTTATAATGCTGGTCCACATAGTCTTCATACCTGTGAAGATGTTCAGAGAGCTCC-3'
Protein context (NP_056477.1, residues 1389-1409): EDYVDQHYKE[Phe1399Leu]LKNQGKVDSL

ClinVar aggregate classification (germline): Uncertain significance (1 of 4 stars; one submission).

Conditions:
Short-rib thoracic dysplasia 10 with or without polydactyly (SRTD10). Identifiers: Orphanet 474, MedGen C3810175, MONDO:0014284, OMIM 615630.
Retinitis pigmentosa 71 (RP71). Identifiers: Orphanet 791, MedGen C4225342, MONDO:0014618, OMIM 616394.

Submission:

Labcorp Genetics (formerly Invitae), Labcorp
Classification: Uncertain significance for Retinitis pigmentosa 71; Short-rib thoracic dysplasia 10 with or without polydactyly. Last evaluated: 2022-03-13. Review status: criteria provided, single submitter. Criteria: Invitae Variant Classification Sherloc (09022015). Collection method: clinical testing. Allele origin: germline.
Comment: Algorithms developed to predict the effect of missense changes on protein structure and function (SIFT, PolyPhen-2, Align-GVGD) all suggest that this variant is likely to be tolerated. This variant has not been reported in the literature in individuals affected with IFT172-related conditions. This variant is not present in population databases (gnomAD no frequency). This sequence change replaces phenylalanine, which is neutral and non-polar, with leucine, which is neutral and non-polar, at codon 1399 of the IFT172 protein (p.Phe1399Leu). In summary, the available evidence is currently insufficient to determine the role of this variant in disease. Therefore, it has been classified as a Variant of Uncertain Significance.